The following is an entry in ClinVar:

NM_000381.4(MID1):c.203G>A (p.Arg68Gln)

Gene: MID1 (midline 1; minus strand). Cytogenetic location: Xp22.2.
Variant type: single nucleotide variant.
Coding change: c.203G>A on transcript NM_000381.4 (MANE Select); coding-DNA position 203, G replaced by A.
Protein change: p.Arg68Gln; replaces arginine 68 with glutamine.
Molecular consequence: missense variant.
Genome position (GRCh38, 1-based): chrX:10,567,345, C>T on the plus strand (G>A on the coding strand, the complement: MID1 is on the minus strand). VCF-style: chrX-10567345-C-T. GRCh37 (hg19) VCF-style: chrX-10535385-C-T.
Other names: c.203G>A, p.Arg68Gln (NM_001098624.2, NM_001193277.1, NM_001193278.1 and 5 more transcripts); short protein forms R68Q.
Identifiers: ClinVar variation 2574903 (VCV002574903.3), dbSNP rs765748631, ClinGen allele CA10347720.

ClinVar aggregate classification (germline): Uncertain significance. Review status: criteria provided, multiple submitters, no conflicts (2 of 4 stars). 2 submissions from 2 submitters: Uncertain significance (2). Last evaluated 2025-08-21.

Allele frequency attached by ClinVar (database versions not stated): ExAC 0.00001.
gnomAD v4.1: 1 of 1,195,373 alleles (0.000084%); no homozygotes.

Submissions (2):

Dasa
Classification: Uncertain significance. Last evaluated: 2025-08-21. Review status: criteria provided, single submitter. Criteria: DASA Assertion Criteria. Collection method: clinical testing. Allele origin: germline.
Comment: NM_000381.4(MID1):c.203G>A (p.Arg68Gln) is a missense variant that results in the substitution of arginine with glutamine. This variant is rare in population databases. Computational prediction algorithms are consistent with a benign effect. The currently available literature and clinical evidence are not sufficient to establish a definitive association between this variant and the reported condition. Therefore, this variant is classified as a variant of uncertain significance.

GeneDx
Classification: Uncertain significance. Last evaluated: 2023-02-04. Review status: criteria provided, single submitter. Criteria: GeneDx Variant Classification Process June 2021. Collection method: clinical testing. Allele origin: germline. Affected: yes.
Comment: Not observed at significant frequency in large population cohorts (gnomAD); In silico analysis supports that this missense variant has a deleterious effect on protein structure/function; Has not been previously published as pathogenic or benign to our knowledge